The following is an entry in ClinVar:

ClinVar aggregate classification (germline): Uncertain significance (1 of 4 stars; one submission).

Allele frequency attached by ClinVar (database versions not stated): ExAC 0.00001; gnomAD exomes 0.00001; TOPMed 0.00002.
gnomAD v4.1: 11 of 1,613,896 alleles (0.00068%); highest among the groups gnomAD compares: East Asian, 0.0067%; no homozygotes.

Submission:

Labcorp Genetics (formerly Invitae), Labcorp
Classification: Uncertain significance. Last evaluated: 2022-07-12. Review status: criteria provided, single submitter. Criteria: Invitae Variant Classification Sherloc (09022015). Collection method: clinical testing. Allele origin: germline.
Comment: In summary, the available evidence is currently insufficient to determine the role of this variant in disease. Therefore, it has been classified as a Variant of Uncertain Significance. Algorithms developed to predict the effect of missense changes on protein structure and function are either unavailable or do not agree on the potential impact of this missense change (SIFT: "Tolerated"; PolyPhen-2: "Possibly Damaging"; Align-GVGD: "Class C0"). ClinVar contains an entry for this variant (Variation ID: 1519996). This variant has not been reported in the literature in individuals affected with AP3D1-related conditions. This variant is present in population databases (rs765088250, gnomAD 0.003%). This sequence change replaces alanine, which is neutral and non-polar, with valine, which is neutral and non-polar, at codon 53 of the AP3D1 protein (p.Ala53Val).

NM_001261826.3(AP3D1):c.158C>T (p.Ala53Val)

Gene: AP3D1 (adaptor related protein complex 3 subunit delta 1; minus strand). Cytogenetic location: 19p13.3.
Variant type: single nucleotide variant.
Coding change: c.158C>T on transcript NM_001261826.3 (MANE Select); coding-DNA position 158, C replaced by T.
Protein change: p.Ala53Val; replaces alanine 53 with valine.
Molecular consequence: missense variant.
Genome position (GRCh38, 1-based): chr19:2,138,653, G>A on the plus strand (C>T on the coding strand, the complement: AP3D1 is on the minus strand). VCF-style: chr19-2138653-G-A. GRCh37 (hg19) VCF-style: chr19-2138652-G-A.
Other names: c.158C>T, p.Ala53Val (NM_001374799.1, NM_003938.8); short protein forms A53V.
Identifiers: ClinVar variation 1519996 (VCV001519996.8), dbSNP rs765088250, ClinGen allele CA9059850.